The following is an entry in ClinVar:

ClinVar aggregate classification (germline): Uncertain significance (1 of 4 stars; one submission).

Allele frequency attached by ClinVar (database versions not stated): gnomAD 0.00001; gnomAD exomes 0.00001; TOPMed 0.00001; ExAC 0.00002.
gnomAD v4.1: 9 of 1,613,892 alleles (0.00056%); highest among the groups gnomAD compares: Admixed American, 0.015%; no homozygotes.

Submission:

Labcorp Genetics (formerly Invitae), Labcorp
Classification: Uncertain significance. Last evaluated: 2022-08-10. Review status: criteria provided, single submitter. Criteria: Invitae Variant Classification Sherloc (09022015). Collection method: clinical testing. Allele origin: germline.
Comment: In summary, the available evidence is currently insufficient to determine the role of this variant in disease. Therefore, it has been classified as a Variant of Uncertain Significance. Algorithms developed to predict the effect of missense changes on protein structure and function are either unavailable or do not agree on the potential impact of this missense change (SIFT: "Not Available"; PolyPhen-2: "Benign"; Align-GVGD: "Not Available"). This variant has not been reported in the literature in individuals affected with MYO18B-related conditions. This variant is present in population databases (rs772063340, gnomAD 0.02%). This sequence change replaces glutamic acid, which is acidic and polar, with glycine, which is neutral and non-polar, at codon 2071 of the MYO18B protein (p.Glu2071Gly).

NM_032608.7(MYO18B):c.6212A>G (p.Glu2071Gly)

Gene: MYO18B (myosin XVIIIB; plus strand). Cytogenetic location: 22q12.1.
Variant type: single nucleotide variant.
Coding change: c.6212A>G on transcript NM_032608.7 (MANE Select); coding-DNA position 6212, A replaced by G.
Protein change: p.Glu2071Gly; replaces glutamic acid 2071 with glycine.
Molecular consequence: missense variant.
Genome position (GRCh38, 1-based): chr22:25,992,418, A>G. VCF-style: chr22-25992418-A-G. GRCh37 (hg19) VCF-style: chr22-26388384-A-G.
Other names: c.6215A>G, p.Glu2072Gly (NM_001318245.2); short protein forms E2071G, E2072G.
Identifiers: ClinVar variation 2153533 (VCV002153533.2), dbSNP rs772063340, ClinGen allele CA10161442.
Genomic context (GRCh38, chr22:25,992,418, plus strand): 5'-CCCAGGAGAAGTACGTGGAGGAACTTGCAGCAGTGAGGCAAACCCTCCAGACAGACCTGG[A>G]GACATCCATTCGGCGGATTGCCGACCTGCAGGCTGCCTTGGAAGAAGTGGCATCCAGTGA-3'
Protein context (NP_115997.5, residues 2061-2081): AVRQTLQTDL[Glu2071Gly]TSIRRIADLQ